The following is an entry in ClinVar:

NM_000431.4(MVK):c.230A>G (p.Gln77Arg)

Gene: MVK (mevalonate kinase; plus strand). Cytogenetic location: 12q24.11.
Variant type: single nucleotide variant.
Coding change: c.230A>G on transcript NM_000431.4 (MANE Select); coding-DNA position 230, A replaced by G.
Protein change: p.Gln77Arg; replaces glutamine 77 with arginine.
Molecular consequence: missense variant. On other transcripts: 5 prime UTR variant (1), non-coding transcript variant (2).
Genome position (GRCh38, 1-based): chr12:109,579,805, A>G. VCF-style: chr12-109579805-A-G. GRCh37 (hg19) VCF-style: chr12-110017610-A-G.
Other names: c.230A>G, p.Gln77Arg (NM_001114185.3, NM_001301182.2, NM_001414511.1 and 3 more transcripts); c.-353A>G (NM_001414515.1); short protein forms Q77R.
Identifiers: ClinVar variation 2941070 (VCV002941070.4), dbSNP rs2548623349, ClinGen allele CA386645118.

ClinVar aggregate classification (germline): Uncertain significance. Review status: criteria provided, multiple submitters, no conflicts (2 of 4 stars). 2 submissions from 2 submitters: Uncertain significance (2). Last evaluated 2025-12-24.

Conditions:
Inborn genetic diseases. Identifiers: MedGen C0950123, MeSH D030342.
Mevalonic aciduria (MEVA). Identifiers: Orphanet 29, MedGen C1959626, MONDO:0012481, OMIM 610377.
Porokeratosis 3, disseminated superficial actinic type (POROK3). Also called: POROKERATOSIS, DISSEMINATED SUPERFICIAL ACTINIC, 1; POROKERATOSIS 3, MULTIPLE TYPES; POROKERATOSIS 3, MIBELLI TYPE. Identifiers: MedGen C1867981, MONDO:0008293, OMIM 175900.
Hyperimmunoglobulin D with periodic fever (HIDS). Also called: HYPERIMMUNOGLOBULINEMIA D AND PERIODIC FEVER SYNDROME; Hyperimmunoglobulinemia D; Hyperimmunoglobulinemia D with periodic fever. Identifiers: Orphanet 343, MedGen C0398691, MONDO:0009849, OMIM 260920.

Submissions (2):

Ambry Genetics
Classification: Uncertain significance for Inborn genetic diseases. Last evaluated: 2025-12-24. Review status: criteria provided, single submitter. Criteria: Ambry Variant Classification Scheme 2023. Collection method: clinical testing. Allele origin: germline.

Labcorp Genetics (formerly Invitae), Labcorp
Classification: Uncertain significance for Mevalonic aciduria; Hyperimmunoglobulin D with periodic fever; Porokeratosis 3, disseminated superficial actinic type. Last evaluated: 2022-11-19. Review status: criteria provided, single submitter. Criteria: Invitae Variant Classification Sherloc (09022015). Collection method: clinical testing. Allele origin: germline.
Comment: In summary, the available evidence is currently insufficient to determine the role of this variant in disease. Therefore, it has been classified as a Variant of Uncertain Significance. Advanced modeling of protein sequence and biophysical properties (such as structural, functional, and spatial information, amino acid conservation, physicochemical variation, residue mobility, and thermodynamic stability) performed at Invitae indicates that this missense variant is not expected to disrupt MVK protein function. This variant has not been reported in the literature in individuals affected with MVK-related conditions. This variant is not present in population databases (gnomAD no frequency). This sequence change replaces glutamine, which is neutral and polar, with arginine, which is basic and polar, at codon 77 of the MVK protein (p.Gln77Arg).